The following is an entry in ClinVar:

NC_000023.10:g.(?_69243048)_(69247906_?)del

Gene: EDA (ectodysplasin A; plus strand). Cytogenetic location: Xq13.1.
Variant type: Deletion.
Identifiers: ClinVar variation 1455461 (VCV001455461.5).

ClinVar aggregate classification (germline): Pathogenic (1 of 4 stars; one submission).

Conditions:
Hypohidrotic X-linked ectodermal dysplasia (XHED). Also called: Christ-Siemans-Touraine syndrome; ECTODERMAL DYSPLASIA 1; ECTODERMAL DYSPLASIA 1, HYPOHIDROTIC, X-LINKED; ECTODERMAL DYSPLASIA 1, HYPOHIDROTIC/HAIR/TOOTH TYPE, X-LINKED; Anhidrotic ectodermal dysplasia X-linked; Christ Siemens Touraine syndrome. Identifiers: Orphanet 181, Orphanet 238468, MedGen C0162359, MONDO:0010585, OMIM 305100.

Submission:

Labcorp Genetics (formerly Invitae), Labcorp
Classification: Pathogenic for Hypohidrotic X-linked ectodermal dysplasia. Last evaluated: 2022-10-16. Review status: criteria provided, single submitter. Criteria: Invitae Variant Classification Sherloc (09022015). Collection method: clinical testing. Allele origin: germline.
Comment: For these reasons, this variant has been classified as Pathogenic. The region of the EDA gene that includes exon(s) 3 has been determined to be clinically significant (PMID: 9736768, 21357618, 22633615). Therefore, deletions that encompass that region are likely to be disease-causing. This variant has not been reported in the literature in individuals affected with EDA-related conditions. This variant is a gross deletion of the genomic region encompassing exon(s) 3-4 of the EDA gene. This variant would be expected to be in-frame, preserving the integrity of the reading frame.

Literature cited by the submitters: PubMed 9736768; PubMed 21357618; PubMed 22633615.